The following is an entry in ClinVar:

NM_006185.4(NUMA1):c.417C>T (p.Asp139=)

Gene: NUMA1 (nuclear mitotic apparatus protein 1; minus strand). Cytogenetic location: 11q13.4.
Variant type: single nucleotide variant.
Coding change: c.417C>T on transcript NM_006185.4 (MANE Select); coding-DNA position 417, C replaced by T.
Protein change: p.Asp139=; no amino-acid change (aspartic acid 139 retained).
Molecular consequence: synonymous variant. On other transcripts: non-coding transcript variant (1).
Genome position (GRCh38, 1-based): chr11:72,021,247, G>A on the plus strand (C>T on the coding strand, the complement: NUMA1 is on the minus strand). VCF-style: chr11-72021247-G-A. GRCh37 (hg19) VCF-style: chr11-71732293-G-A.
Other names: c.417C>T, p.Asp139= (NM_001286561.2).
Identifiers: ClinVar variation 3034446 (VCV003034446.2), dbSNP rs141785503, ClinGen allele CA6167890.
Genomic context (GRCh38, chr11:72,021,247, plus strand): 5'-AGTGTGTACCTACTTACCTTTCTGTAGGAAGTTCTCTAGGTCCTCATTAAGGTTTAGCCC[G>A]TCCTCATGGTCCAGCACAAATTTAAGAATGACAGCCAACTCAGCCTGGGCCACAGGGAGA-3'
Protein context (NP_006176.2, residues 129-149): VILKFVLDHE[Asp139=]GLNLNEDLEN

ClinVar aggregate classification (germline): Likely benign (0 of 4 stars; one submission).

Conditions:
NUMA1-related disorder. Also called: NUMA1-related condition.

Allele frequency attached by ClinVar (database versions not stated): gnomAD exomes 0.00010; ExAC 0.00026; gnomAD 0.00096; 1000 Genomes Project 0.00100; 1000 Genomes Project 30x 0.00109; TOPMed 0.00113; ESP Exome Variant Server 0.00116.
gnomAD v4.1: 311 of 1,614,180 alleles (0.019%); highest among the groups gnomAD compares: African/African-American, 0.33%; no homozygotes.

Submission:

PreventionGenetics, part of Exact Sciences
Classification: Likely benign for NUMA1-related condition. Last evaluated: 2019-02-20. Review status: no assertion criteria provided. Collection method: clinical testing. Allele origin: germline.
Comment: This variant is classified as likely benign based on ACMG/AMP sequence variant interpretation guidelines (Richards et al. 2015 PMID: 25741868, with internal and published modifications).